The following is an entry in ClinVar:

ClinVar aggregate classification (germline): Pathogenic/Likely pathogenic. Review status: criteria provided, multiple submitters, no conflicts (2 of 4 stars). 5 submissions from 5 submitters: Pathogenic (2); Likely pathogenic (2). 1 of the submissions does not count toward it. Last evaluated 2025-08-07.

Conditions:
Nephrogenic diabetes insipidus. Identifiers: Orphanet 223, MedGen C0162283, MONDO:0016383, HP:0009806.
Diabetes insipidus, nephrogenic, autosomal (NDI2). Also called: Diabetes insipidus, nephrogenic, 2, autosomal; Nephrogenic Diabetes Insipidus, Type II. Identifiers: Orphanet 223, MedGen C1563706, MONDO:0007451, OMIM 125800.
Diabetes insipidus. Identifiers: MedGen C0011848, MONDO:0004782, HP:0000873.

Allele frequency attached by ClinVar (database versions not stated): 1000 Genomes Project 30x 0.00016; gnomAD 0.00001; TOPMed 0.00002; 1000 Genomes Project 0.00020; ExAC 0.00002.

Submissions (5):

Natera, Inc.
Classification: Pathogenic for Nephrogenic diabetes insipidus. Last evaluated: 2025-08-07. Review status: criteria provided, single submitter. Criteria: Natera Variant Classification Schema (03/2026). Collection method: clinical testing. Allele origin: germline.
Comment: The c.377C>T variant in AQP2 is a missense variant predicted to cause substitution of threonine to methionine at amino acid 126. This variant is rare in the general population with a frequency below the threshold expected for the associated phenotype(s). This variant has been observed in one or more individuals affected with the associated recessive disease, as either homozygous or compound heterozygous with a second variant (PMID: 9048343, 23950570). Additionally, this variant has been observed to segregate in affected family members (PMID: 23950570). Functional studies show that this variant may disrupt protein function (PMID: 18854434, 11035038). Computational prediction algorithms indicate this variant is likely to affect gene or protein function. Given the available evidence, this variant is classified as Pathogenic.

Dubai Health Genomic Medicine Center, Dubai Health
Classification: Pathogenic for Diabetes insipidus. Last evaluated: 2024-10-04. Review status: criteria provided, single submitter. Criteria: ACMG Guidelines, 2015. Collection method: research. Allele origin: germline. Affected: yes.
Comment: PS3,PP1,PM3(strong),PM2,PP3

Fulgent Genetics
Classification: Likely pathogenic for Diabetes insipidus, nephrogenic, autosomal. Last evaluated: 2024-06-05. Review status: criteria provided, single submitter. Criteria: ACMG Guidelines, 2015. Collection method: clinical testing. Allele origin: germline.

Labcorp Genetics (formerly Invitae), Labcorp
Classification: Likely pathogenic. Last evaluated: 2023-10-04. Review status: criteria provided, single submitter. Criteria: Invitae Variant Classification Sherloc (09022015). Collection method: clinical testing. Allele origin: germline.
Comment: This sequence change replaces threonine, which is neutral and polar, with methionine, which is neutral and non-polar, at codon 126 of the AQP2 protein (p.Thr126Met). This variant is present in population databases (rs104894330, gnomAD 0.004%). This missense change has been observed in individuals with autosomal recessive nephrogenic diabetes insipidus (PMID: 9048343, 23950570, 27151922). ClinVar contains an entry for this variant (Variation ID: 17833). Advanced modeling of protein sequence and biophysical properties (such as structural, functional, and spatial information, amino acid conservation, physicochemical variation, residue mobility, and thermodynamic stability) has been performed at Invitae for this missense variant, however the output from this modeling did not meet the statistical confidence thresholds required to predict the impact of this variant on AQP2 protein function. Experimental studies have shown that this missense change affects AQP2 function (PMID: 9048343, 10574954, 11035038). In summary, the currently available evidence indicates that the variant is pathogenic, but additional data are needed to prove that conclusively. Therefore, this variant has been classified as Likely Pathogenic.

OMIM
Classification: Pathogenic for DIABETES INSIPIDUS, NEPHROGENIC, 2, AUTOSOMAL RECESSIVE. Last evaluated: 1997-02-01. Review status: no assertion criteria provided. Collection method: literature only. Allele origin: germline. Not counted in ClinVar's aggregate classification.

Literature cited by the submitters: PubMed 9048343 (cited by 3 submitters); PubMed 23950570 (cited by Natera, Inc. and Labcorp Genetics (formerly Invitae), Labcorp); PubMed 18854434 (cited by Natera, Inc.); PubMed 11035038 (cited by Natera, Inc. and Labcorp Genetics (formerly Invitae), Labcorp); PubMed 27151922 (cited by Labcorp Genetics (formerly Invitae), Labcorp); PubMed 10574954 (cited by Labcorp Genetics (formerly Invitae), Labcorp).

NM_000486.6(AQP2):c.377C>T (p.Thr126Met)

Genes: AQP2 (aquaporin 2; plus strand), AQP5-AS1 (AQP5 and AQP2 antisense RNA 2; minus strand). Cytogenetic location: 12q13.12.
Variant type: single nucleotide variant.
Coding change: c.377C>T on transcript NM_000486.6 (MANE Select); coding-DNA position 377, C replaced by T.
Protein change: p.Thr126Met; replaces threonine 126 with methionine.
Molecular consequence: missense variant. On other transcripts: non-coding transcript variant (1).
Genome position (GRCh38, 1-based): chr12:49,954,171, C>T. VCF-style: chr12-49954171-C-T. GRCh37 (hg19) VCF-style: chr12-50347954-C-T.
Other names: c.377C>T (NM_000486.5); short protein forms T126M.
Identifiers: ClinVar variation 17833 (VCV000017833.16), dbSNP rs104894330, ClinGen allele CA127472.